The following is an entry in ClinVar:

NM_005732.4(RAD50):c.806A>G (p.Asp269Gly)

Gene: RAD50 (RAD50 double strand break repair protein; plus strand). Cytogenetic location: 5q31.1.
Variant type: single nucleotide variant.
Coding change: c.806A>G on transcript NM_005732.4 (MANE Select); coding-DNA position 806, A replaced by G.
Protein change: p.Asp269Gly; replaces aspartic acid 269 with glycine.
Molecular consequence: missense variant.
Genome position (GRCh38, 1-based): chr5:132,587,611, A>G. VCF-style: chr5-132587611-A-G. GRCh37 (hg19) VCF-style: chr5-131923303-A-G.
Other names: short protein forms D269G.
Identifiers: ClinVar variation 3224993 (VCV003224993.1), dbSNP rs2479631679, ClinGen allele CA360940169.

ClinVar aggregate classification (germline): Uncertain significance (1 of 4 stars; one submission).

Conditions:
Hereditary cancer-predisposing syndrome. Also called: Neoplastic Syndromes, Hereditary; Tumor predisposition; Hereditary neoplastic syndrome; Hereditary Cancer Syndrome. Identifiers: Orphanet 140162, MedGen C0027672, MeSH D009386, MONDO:0015356.

Submission:

Ambry Genetics
Classification: Uncertain significance for Hereditary cancer-predisposing syndrome. Last evaluated: 2024-03-06. Review status: criteria provided, single submitter. Criteria: Ambry Variant Classification Scheme 2023. Collection method: clinical testing. Allele origin: germline.
Comment: The p.D269G variant (also known as c.806A>G), located in coding exon 6 of the RAD50 gene, results from an A to G substitution at nucleotide position 806. The aspartic acid at codon 269 is replaced by glycine, an amino acid with similar properties. This amino acid position is conserved. In addition, the in silico prediction for this alteration is inconclusive. Based on the available evidence, the clinical significance of this alteration remains unclear.